The following is an entry in ClinVar:

NM_171998.4(RAB39B):c.174C>G (p.Ile58Met)

Gene: RAB39B (RAB39B, member RAS oncogene family; minus strand). Cytogenetic location: Xq28.
Variant type: single nucleotide variant.
Coding change: c.174C>G on transcript NM_171998.4 (MANE Select); coding-DNA position 174, C replaced by G.
Protein change: p.Ile58Met; replaces isoleucine 58 with methionine.
Molecular consequence: missense variant.
Genome position (GRCh38, 1-based): chrX:155,264,115, G>C on the plus strand (C>G on the coding strand, the complement: RAB39B is on the minus strand). VCF-style: chrX-155264115-G-C. GRCh37 (hg19) VCF-style: chrX-154493400-G-C.
Other names: short protein forms I58M.
Identifiers: ClinVar variation 3370844 (VCV003370844.1).

ClinVar aggregate classification (germline): Uncertain significance (1 of 4 stars; one submission).

Submission:

GeneDx
Classification: Uncertain significance. Last evaluated: 2024-03-12. Review status: criteria provided, single submitter. Criteria: GeneDx Variant Classification Process June 2021. Collection method: clinical testing. Allele origin: germline. Affected: yes.
Comment: Not observed at significant frequency in large population cohorts (gnomAD); In silico analysis supports that this missense variant does not alter protein structure/function; Has not been previously published as pathogenic or benign to our knowledge